The following is an entry in ClinVar:

NC_000016.9:g.(?_2106344)_(2107114_?)del

Gene: TSC2 (TSC complex subunit 2; plus strand). Cytogenetic location: 16p13.3.
Variant type: Deletion.
Identifiers: ClinVar variation 1351706 (VCV001351706.4).

ClinVar aggregate classification (germline): Pathogenic (1 of 4 stars; one submission).

Conditions:
Tuberous sclerosis 2 (TSC2). Identifiers: Orphanet 805, MedGen C1860707, MONDO:0013199, OMIM 613254.

Submission:

Labcorp Genetics (formerly Invitae), Labcorp
Classification: Pathogenic for Tuberous sclerosis 2. Last evaluated: 2020-11-24. Review status: criteria provided, single submitter. Criteria: Invitae Variant Classification Sherloc (09022015). Collection method: clinical testing. Allele origin: germline.
Comment: For these reasons, this variant has been classified as Pathogenic. This variant has been observed in individual(s) with tuberous sclerosis complex (Invitae). This variant results in the deletion of exon 8 and part of exon 9 (c.648+100_784del) of the TSC2 gene. It is expected to disrupt RNA splicing. Variants that disrupt the donor or acceptor splice site typically lead to a loss of protein function (PMID: 16199547), and loss-of-function variants in TSC2 are known to be pathogenic (PMID: 10205261, 17304050). This variant disrupts the p.Leu219 amino acid residue in TSC2. Other variant(s) that disrupt this residue have been determined to be pathogenic (PMID: 32211034, 21309039). This suggests that this residue is clinically significant, and that variants that disrupt this residue are likely to be disease-causing.

Literature cited by the submitters: PubMed 16199547; PubMed 10205261; PubMed 17304050; PubMed 32211034; PubMed 21309039.